The following is an entry in ClinVar:

NM_001378120.1(MBD5):c.4819G>T (p.Glu1607Ter)

Gene: MBD5 (methyl-CpG binding domain protein 5; plus strand). Cytogenetic location: 2q23.1.
Variant type: single nucleotide variant.
Coding change: c.4819G>T on transcript NM_001378120.1 (MANE Select); coding-DNA position 4819, G replaced by T.
Protein change: p.Glu1607Ter; replaces glutamic acid 1607 with a stop codon.
Molecular consequence: nonsense.
Genome position (GRCh38, 1-based): chr2:148,490,451, G>T. VCF-style: chr2-148490451-G-T. GRCh37 (hg19) VCF-style: chr2-149248020-G-T.
Other names: c.4120G>T, p.Glu1374Ter (NM_018328.5); short protein forms E1374*, E1607*.
Identifiers: ClinVar variation 1738024 (VCV001738024.2), dbSNP rs2470030380, ClinGen allele CA348731573.

ClinVar aggregate classification (germline): Pathogenic (1 of 4 stars; one submission).

Conditions:
Inborn genetic diseases. Identifiers: MedGen C0950123, MeSH D030342.

Submission:

Ambry Genetics
Classification: Pathogenic for Inborn genetic diseases. Last evaluated: 2019-09-18. Review status: criteria provided, single submitter. Criteria: Ambry Variant Classification Scheme 2023. Collection method: clinical testing. Allele origin: germline.
Comment: The p.E1374* pathogenic mutation (also known as c.4120G>T), located in coding exon 7 of the MBD5 gene, results from a G to T substitution at nucleotide position 4120. This changes the amino acid from a glutamic acid to a stop codon within coding exon 7. This alteration is expected to result in loss of function by premature protein truncation or nonsense-mediated mRNA decay. As such, this alteration is interpreted as a disease-causing mutation.